The following is an entry in ClinVar:

NC_012920.1(MT-CO1):m.6366G>C

Gene: MT-CO1 (mitochondrially encoded cytochrome c oxidase I; plus strand).
Variant type: single nucleotide variant.
Genome position: chrM-6366-G-C.
Identifiers: ClinVar variation 692645 (VCV000692645.1), dbSNP rs370673798, ClinGen allele CA414783502.

ClinVar aggregate classification (germline): Benign (1 of 4 stars; one submission).

Conditions:
Leigh syndrome (NULS). Also called: Leigh's necrotizing encephalopathy; Leigh's disease; Leigh Syndrome (mtDNA deletion); Leigh Disease; Subacute necrotizing encephalopathy; Necrotizing encephalopathy infantile subacute of Leigh. Identifiers: Orphanet 506, MedGen C2931891, MONDO:0009723, OMIM 256000.

Submission:

Wong Mito Lab, Molecular and Human Genetics, Baylor College of Medicine
Classification: Benign for Leigh syndrome. Last evaluated: 2019-10-17. Review status: criteria provided, single submitter. Criteria: Modified ACMG Guidelines (Unpublished). Collection method: clinical testing. Allele origin: germline.
Comment: The NC_012920.1:m.6366G>C (YP_003024028.1:p.Val155Leu) variant in MTCO1 gene is interpretated to be a Benign variant based on the modified ACMG guidelines (unpublished). This variant meets the following evidence codes: BS1, BS4, BP4